The following is an entry in ClinVar:

NC_000015.9:g.(?_28090085)_(28544682_?)dup

Genes: HERC2 (HECT and RLD domain containing E3 ubiquitin protein ligase 2; minus strand), OCA2 (OCA2 melanosomal transmembrane protein; minus strand). Cytogenetic location: 15q12-13.1.
Variant type: Duplication.
Identifiers: ClinVar variation 1495964 (VCV001495964.5).

ClinVar aggregate classification (germline): Uncertain significance (1 of 4 stars; one submission).

Submission:

Labcorp Genetics (formerly Invitae), Labcorp
Classification: Uncertain significance. Last evaluated: 2022-06-27. Review status: criteria provided, single submitter. Criteria: Invitae Variant Classification Sherloc (09022015). Collection method: clinical testing. Allele origin: germline.
Comment: In summary, the available evidence is currently insufficient to determine the role of this variant in disease. Therefore, it has been classified as a Variant of Uncertain Significance. Experimental studies and prediction algorithms are not available or were not evaluated, and the functional significance of this variant is currently unknown. This variant has not been reported in the literature in individuals affected with OCA2-related conditions. This variant results in a copy number gain of the genomic region encompassing exon(s) 1-23 of the OCA2 gene. This region includes the initiator codon of the gene. This copy number gain extends beyond the assayed region for this gene and therefore may encompass additional genes. As the precise location of this event is unknown, it may be in tandem or it may be located elsewhere in the genome.